The following is an entry in ClinVar:

NM_032383.5(HPS3):c.2195delinsTT (p.His732fs)

Gene: HPS3 (HPS3 biogenesis of lysosomal organelles complex 2 subunit 1; plus strand). Cytogenetic location: 3q24.
Variant type: Indel.
Coding change: c.2195delinsTT on transcript NM_032383.5 (MANE Select); coding-DNA position 2195, A replaced by TT.
Protein change: p.His732fs; shifts the reading frame from histidine 732.
Molecular consequence: frameshift variant.
Genome position (GRCh38, 1-based): chr3:149,162,236, A replaced by TT. VCF-style: chr3-149162236-A-TT. GRCh37 (hg19) VCF-style: chr3-148880023-A-TT.
Other names: c.1700delinsTT, p.His567fs (NM_001308258.2); short protein forms H567fs, H732fs.
Identifiers: ClinVar variation 5010504 (VCV005010504.1).

ClinVar aggregate classification (germline): Pathogenic (1 of 4 stars; one submission).

Conditions:
Hermansky-Pudlak syndrome 3 (HPS3). Identifiers: Orphanet 231512, Orphanet 79430, MedGen C3888001, MONDO:0013555, OMIM 614072.

Submission:

Myriad Genetics, Inc.
Classification: Pathogenic for Hermansky-Pudlak syndrome 3. Last evaluated: 2024-05-14. Review status: criteria provided, single submitter. Criteria: Myriad Autosomal Dominant, Autosomal Recessive and X-Linked Classification Criteria (2023). Collection method: clinical testing. Allele origin: unknown.
Comment: NM_032383.3(HPS3):c.2195delAinsTT(H732Lfs*26) is expected to be pathogenic in the context of Hermansky-Pudlak syndrome, HPS3-related. This variant is predicted to lead to an abnormal or absent protein product due to the creation of a premature termination codon in HPS3, a gene where loss-of-function variants are known to be pathogenic. Please note: this variant was assessed in the context of healthy population screening.